The following is an entry in ClinVar:

NM_078480.3(PUF60):c.1172C>T (p.Pro391Leu)

Gene: PUF60 (poly(U) binding splicing factor 60; minus strand). Cytogenetic location: 8q24.3.
Variant type: single nucleotide variant.
Coding change: c.1172C>T on transcript NM_078480.3 (MANE Select); coding-DNA position 1172, C replaced by T.
Protein change: p.Pro391Leu; replaces proline 391 with leucine.
Molecular consequence: missense variant.
Genome position (GRCh38, 1-based): chr8:143,817,118, G>A on the plus strand (C>T on the coding strand, the complement: PUF60 is on the minus strand). VCF-style: chr8-143817118-G-A. GRCh37 (hg19) VCF-style: chr8-144899288-G-A.
Other names: c.1043C>T, p.Pro348Leu (NM_001136033.3); c.1118C>T, p.Pro373Leu (NM_001271096.2); c.1034C>T, p.Pro345Leu (NM_001271097.2); c.1169C>T, p.Pro390Leu (NM_001271098.2); c.1085C>T, p.Pro362Leu (NM_001271099.2); c.992C>T, p.Pro331Leu (NM_001271100.2); c.1283C>T, p.Pro428Leu (NM_001362895.2, NM_001362896.2); c.1232C>T, p.Pro411Leu (NM_001362897.2); and 2 more; short protein forms P331L, P345L, P348L, P362L, P373L, P374L, P390L, P391L.
Identifiers: ClinVar variation 3033064 (VCV003033064.3), dbSNP rs1270540693, ClinGen allele CA372487772.
Genomic context (GRCh38, chr8:143,817,118, plus strand): 5'-CCCAGCGTTGGAGGGCTGGCCAGGATGGGGTTCACCACTCCCACCGAGGGGATGGTGACC[G>A]GGATAGGAGGACGGGCTGGGGTCACACCTGCAGGAAAACCAACCAGGTCCATCAGTCACT-3'
Protein context (NP_510965.1, residues 381-401): TGVTPARPPI[Pro391Leu]VTIPSVGVVN

ClinVar aggregate classification (germline): Uncertain significance. Review status: criteria provided, single submitter (1 of 4 stars). 2 submissions from 2 submitters: Uncertain significance (1). 1 of the submissions does not count toward it. Last evaluated 2026-06-10.

Conditions:
Inborn genetic diseases. Identifiers: MedGen C0950123, MeSH D030342.
PUF60-related disorder. Also called: PUF60-related condition.

Allele frequency attached by ClinVar (database versions not stated): gnomAD 0.00001; gnomAD exomes below 0.00001.
gnomAD v4.1: 2 of 1,608,328 alleles (0.00012%); highest among the groups gnomAD compares: Non-Finnish European, 0.00017%; no homozygotes.

Submissions (2):

Ambry Genetics
Classification: Uncertain significance for Inborn genetic diseases. Last evaluated: 2026-06-10. Review status: criteria provided, single submitter. Criteria: Ambry Variant Classification Scheme 2023. Collection method: clinical testing. Allele origin: germline.

PreventionGenetics, part of Exact Sciences
Classification: Uncertain significance for PUF60-related condition. Last evaluated: 2023-12-01. Review status: no assertion criteria provided. Collection method: clinical testing. Allele origin: germline. Not counted in ClinVar's aggregate classification.
Comment: The PUF60 c.1172C>T variant is predicted to result in the amino acid substitution p.Pro391Leu. To our knowledge, this variant has not been reported in the literature or in a large population database, indicating this variant is rare. At this time, the clinical significance of this variant is uncertain due to the absence of conclusive functional and genetic evidence.